The following is an entry in ClinVar:

ClinVar aggregate classification (germline): Uncertain significance (1 of 4 stars; one submission).

Submission:

GeneDx
Classification: Uncertain significance. Last evaluated: 2024-04-30. Review status: criteria provided, single submitter. Criteria: GeneDx Variant Classification Process June 2021. Collection method: clinical testing. Allele origin: germline. Affected: yes.
Comment: Not observed at significant frequency in large population cohorts (gnomAD); In silico analysis supports that this missense variant has a deleterious effect on protein structure/function; Has not been previously published as pathogenic or benign to our knowledge

NM_001148.6(ANK2):c.1669T>C (p.Ser557Pro)

Gene: ANK2 (ankyrin 2; plus strand). Cytogenetic location: 4q26.
Variant type: single nucleotide variant.
Coding change: c.1669T>C on transcript NM_001148.6 (MANE Select); coding-DNA position 1669, T replaced by C.
Protein change: p.Ser557Pro; replaces serine 557 with proline.
Molecular consequence: missense variant.
Genome position (GRCh38, 1-based): chr4:113,274,635, T>C. VCF-style: chr4-113274635-T-C. GRCh37 (hg19) VCF-style: chr4-114195791-T-C.
Other names: c.1606T>C, p.Ser536Pro (NM_001127493.3, NM_001354239.2, NM_001354243.2 and 14 more transcripts); c.1669T>C, p.Ser557Pro (NM_001354225.2, NM_001354228.2, NM_001354232.2 and 8 more transcripts); c.1714T>C, p.Ser572Pro (NM_001354230.2, NM_001354231.2, NM_001354237.2 and 5 more transcripts); c.1582T>C, p.Ser528Pro (NM_001354249.2, NM_001354260.2, NM_001354264.2 and 13 more transcripts); c.1627T>C, p.Ser543Pro (NM_001354261.2, NM_001386147.1, NM_001386160.1); c.1459T>C, p.Ser487Pro (NM_001354269.3); c.1471T>C, p.Ser491Pro (NM_001354273.2); c.1384T>C, p.Ser462Pro (NM_001354277.2, NM_001386157.1, NM_001386158.1); and 4 more; short protein forms S462P, S487P, S491P, S528P, S536P, S543P, S545P, S553P.
Identifiers: ClinVar variation 3373338 (VCV003373338.1).